The following is an entry in ClinVar:

ClinVar aggregate classification (germline): Uncertain significance (1 of 4 stars; one submission).

Allele frequency attached by ClinVar (database versions not stated): gnomAD 0.00002; TOPMed 0.00002; gnomAD exomes 0.00006.
gnomAD v4.1: 92 of 1,614,038 alleles (0.0057%); highest among the groups gnomAD compares: Non-Finnish European, 0.0076%; no homozygotes.

Submission:

Labcorp Genetics (formerly Invitae), Labcorp
Classification: Uncertain significance. Last evaluated: 2023-04-12. Review status: criteria provided, single submitter. Criteria: Invitae Variant Classification Sherloc (09022015). Collection method: clinical testing. Allele origin: germline.
Comment: In summary, the available evidence is currently insufficient to determine the role of this variant in disease. Therefore, it has been classified as a Variant of Uncertain Significance. Advanced modeling of protein sequence and biophysical properties (such as structural, functional, and spatial information, amino acid conservation, physicochemical variation, residue mobility, and thermodynamic stability) performed at Invitae indicates that this missense variant is not expected to disrupt FAT2 protein function. This variant has not been reported in the literature in individuals affected with FAT2-related conditions. This variant is present in population databases (no rsID available, gnomAD 0.0009%). This sequence change replaces alanine, which is neutral and non-polar, with valine, which is neutral and non-polar, at codon 739 of the FAT2 protein (p.Ala739Val).

NM_001447.3(FAT2):c.2216C>T (p.Ala739Val)

Gene: FAT2 (FAT atypical cadherin 2; minus strand). Cytogenetic location: 5q33.1.
Variant type: single nucleotide variant.
Coding change: c.2216C>T on transcript NM_001447.3 (MANE Select); coding-DNA position 2216, C replaced by T.
Protein change: p.Ala739Val; replaces alanine 739 with valine.
Molecular consequence: missense variant.
Genome position (GRCh38, 1-based): chr5:151,566,716, G>A on the plus strand (C>T on the coding strand, the complement: FAT2 is on the minus strand). VCF-style: chr5-151566716-G-A. GRCh37 (hg19) VCF-style: chr5-150946277-G-A.
Other names: short protein forms A739V.
Identifiers: ClinVar variation 2707415 (VCV002707415.3), dbSNP rs920240271, ClinGen allele CA129985072.